The following is an entry in ClinVar:

ClinVar aggregate classification (germline): Likely pathogenic (1 of 4 stars; one submission).

Conditions:
Intellectual developmental disorder, autosomal dominant 1. Also called: Intellectual disability, autosomal dominant 1; MBD5 Haploinsufficiency. Identifiers: Orphanet 228402, MedGen C1969562, MONDO:0007974, OMIM 156200.

Submission:

Labcorp Genetics (formerly Invitae), Labcorp
Classification: Likely pathogenic for Intellectual developmental disorder, autosomal dominant 1. Last evaluated: 2020-06-04. Review status: criteria provided, single submitter. Criteria: Invitae Variant Classification Sherloc (09022015). Collection method: clinical testing. Allele origin: germline.
Comment: This variant results in a copy number gain of the genomic region encompassing exon 14 of the MBD5 gene. While the exact position of this variant cannot be determined from the data, sub-genic copy number gains are generally in tandem (PMID: 25640679). This variant is predicted to be out-of-frame, and may result in an absent or disrupted protein product. This variant has not been reported in the literature in individuals with MBD5-related conditions. Loss-of-function variants in MBD5 are known to be pathogenic (PMID: 23422940, 23587880). In summary, the currently available evidence indicates that the variant is pathogenic, but additional data are needed to prove that conclusively. Therefore, this variant has been classified as Likely Pathogenic.

Literature cited by the submitters: PubMed 25640679; PubMed 23422940; PubMed 23587880.

NC_000002.11:g.(?_149267619)_(149267714_?)dup

Gene: MBD5 (methyl-CpG binding domain protein 5; plus strand). Cytogenetic location: 2q23.1.
Variant type: Duplication.
Identifiers: ClinVar variation 1066698 (VCV001066698.3).